The following is an entry in ClinVar:

ClinVar aggregate classification (germline): Uncertain significance. Review status: criteria provided, multiple submitters, no conflicts (2 of 4 stars). 2 submissions from 2 submitters: Uncertain significance (2). Last evaluated 2025-10-10.

Conditions:
Hereditary cancer-predisposing syndrome. Also called: Tumor predisposition; Hereditary neoplastic syndrome; Hereditary Cancer Syndrome; Neoplastic Syndromes, Hereditary. Identifiers: Orphanet 140162, MedGen C0027672, MeSH D009386, MONDO:0015356.

Submissions (2):

Ambry Genetics
Classification: Uncertain significance for Hereditary cancer-predisposing syndrome. Last evaluated: 2025-10-10. Review status: criteria provided, single submitter. Criteria: Ambry Variant Classification Scheme 2023. Collection method: clinical testing. Allele origin: germline.
Comment: The p.R52S variant (also known as c.154C>A), located in coding exon 1 of the BARD1 gene, results from a C to A substitution at nucleotide position 154. The arginine at codon 52 is replaced by serine, an amino acid with dissimilar properties. This amino acid position is conserved. In addition, the in silico prediction for this alteration is inconclusive. Based on the available evidence, the clinical significance of this variant remains unclear.

Color Diagnostics, LLC DBA Color Health
Classification: Uncertain significance for Hereditary cancer-predisposing syndrome. Last evaluated: 2024-03-07. Review status: criteria provided, single submitter. Criteria: ACMG Guidelines, 2015. Collection method: clinical testing. Allele origin: germline.
Comment: This missense variant replaces arginine with serine at codon 52 of the BARD1 protein. Computational prediction suggests that this variant may not impact protein structure and function (internally defined REVEL score threshold <= 0.5, PMID: 27666373). To our knowledge, functional studies have not been reported for this variant. This variant has not been reported in individuals affected with hereditary cancer in the literature. This variant has not been identified in the general population by the Genome Aggregation Database (gnomAD). The available evidence is insufficient to determine the role of this variant in disease conclusively. Therefore, this variant is classified as a Variant of Uncertain Significance.

NM_000465.4(BARD1):c.154C>A (p.Arg52Ser)

Gene: BARD1 (BRCA1 associated RING domain 1; minus strand). Cytogenetic location: 2q35.
Variant type: single nucleotide variant.
Coding change: c.154C>A on transcript NM_000465.4 (MANE Select); coding-DNA position 154, C replaced by A.
Protein change: p.Arg52Ser; replaces arginine 52 with serine.
Molecular consequence: missense variant. On other transcripts: non-coding transcript variant (3).
Genome position (GRCh38, 1-based): chr2:214,809,416, G>T on the plus strand (C>A on the coding strand, the complement: BARD1 is on the minus strand). VCF-style: chr2-214809416-G-T. GRCh37 (hg19) VCF-style: chr2-215674140-G-T.
Other names: c.154C>A, p.Arg52Ser (NM_001282543.2, NM_001282545.2, NM_001282548.2 and 1 more transcripts); c.154C>A (NM_000465.2); short protein forms R52S.
Identifiers: ClinVar variation 1171765 (VCV001171765.4), dbSNP rs2106170788, ClinGen allele CA350464720.